The following is an entry in ClinVar:

ClinVar aggregate classification (germline): Pathogenic (1 of 4 stars; one submission).

Conditions:
Pitt-Hopkins syndrome (PTHS). Also called: ENCEPHALOPATHY, SEVERE EPILEPTIC, WITH AUTONOMIC DYSFUNCTION; MENTAL RETARDATION, SYNDROMAL, WITH INTERMITTENT HYPERVENTILATION. Identifiers: Orphanet 2896, MedGen C1970431, MONDO:0012589, OMIM 610954.

Submission:

Labcorp Genetics (formerly Invitae), Labcorp
Classification: Pathogenic for Pitt-Hopkins syndrome. Last evaluated: 2022-08-16. Review status: criteria provided, single submitter. Criteria: Invitae Variant Classification Sherloc (09022015). Collection method: clinical testing. Allele origin: germline.
Comment: This variant is a gross deletion of the genomic region encompassing exon(s) 2-8 of the TCF4 gene, which includes the initiator codon. This deletion extends beyond the assayed region for this gene and therefore may encompass additional genes. It is expected to result in an absent or disrupted protein product. Loss-of-function variants in TCF4 are known to be pathogenic (PMID: 18728071, 22045651). For these reasons, this variant has been classified as Pathogenic. This variant has not been reported in the literature in individuals affected with TCF4-related conditions.

Literature cited by the submitters: PubMed 18728071; PubMed 22045651.

NC_000018.9:g.(?_53017570)_(53254347_?)del

Gene: TCF4 (transcription factor 4; minus strand). Cytogenetic location: 18q21.2.
Variant type: Deletion.
Identifiers: ClinVar variation 2423674 (VCV002423674.4).